The following is an entry in ClinVar:

ClinVar aggregate classification (germline): Conflicting classifications of pathogenicity. Review status: criteria provided, conflicting classifications (1 of 4 stars). 6 submissions from 6 submitters: Uncertain significance (4); Likely benign (2). Last evaluated 2026-03-09.

Conditions:
Inborn genetic diseases. Identifiers: MedGen C0950123, MeSH D030342.
Short-rib thoracic dysplasia 10 with or without polydactyly (SRTD10). Identifiers: Orphanet 474, MedGen C3810175, MONDO:0014284, OMIM 615630.
Bardet-Biedl syndrome 20. Identifiers: MedGen C4310707, MONDO:0023670, OMIM 619471, MONDO:0014926.
Retinitis pigmentosa 71 (RP71). Identifiers: Orphanet 791, MedGen C4225342, MONDO:0014618, OMIM 616394.
IFT172-related disorder. Also called: IFT172-related disorders; IFT172-related condition.

Allele frequency attached by ClinVar (database versions not stated): gnomAD 0.00021; TOPMed 0.00023; ESP Exome Variant Server 0.00046; ExAC 0.00013; gnomAD exomes 0.00013.
gnomAD v4.1: 225 of 1,614,018 alleles (0.014%); highest among the groups gnomAD compares: African/African-American, 0.024%; no homozygotes.

Submissions (6):

PreventionGenetics, part of Exact Sciences
Classification: Uncertain significance for IFT172-related condition. Last evaluated: 2026-03-09. Review status: criteria provided, single submitter. Criteria: ACMG Guidelines, 2015. Collection method: clinical testing. Allele origin: germline.
Comment: The IFT172 c.2350C>T variant is predicted to result in the amino acid substitution p.Arg784Trp. To our knowledge, this variant has not been reported in the literature. This variant is reported in 0.032% of alleles in individuals of African descent in gnomAD. At this time, the clinical significance of this variant is uncertain due to the absence of conclusive functional and genetic evidence.

Labcorp Genetics (formerly Invitae), Labcorp
Classification: Likely benign for Retinitis pigmentosa 71; Short-rib thoracic dysplasia 10 with or without polydactyly. Last evaluated: 2026-01-07. Review status: criteria provided, single submitter. Criteria: Invitae Variant Classification Sherloc (09022015). Collection method: clinical testing. Allele origin: germline.

GeneDx
Classification: Uncertain significance. Last evaluated: 2025-08-21. Review status: criteria provided, single submitter. Criteria: GeneDx Variant Classification Process June 2021. Collection method: clinical testing. Allele origin: germline. Affected: yes.
Comment: In silico analysis supports that this missense variant has a deleterious effect on protein structure/function; Has not been previously published as pathogenic or benign to our knowledge

Blueprint Genetics
Classification: Likely benign. Last evaluated: 2024-04-10. Review status: criteria provided, single submitter. Criteria: ACMG Guidelines, 2015. Collection method: clinical testing. Allele origin: germline.

Fulgent Genetics
Classification: Uncertain significance for Short-rib thoracic dysplasia 10 with or without polydactyly; Retinitis pigmentosa 71; Bardet-Biedl syndrome 20. Last evaluated: 2024-01-13. Review status: criteria provided, single submitter. Criteria: ACMG Guidelines, 2015. Collection method: clinical testing. Allele origin: germline.

Ambry Genetics
Classification: Uncertain significance for Inborn genetic diseases. Last evaluated: 2022-09-17. Review status: criteria provided, single submitter. Criteria: Ambry Variant Classification Scheme 2023. Collection method: clinical testing. Allele origin: germline.

NM_015662.3(IFT172):c.2350C>T (p.Arg784Trp)

Gene: IFT172 (intraflagellar transport 172; minus strand). Cytogenetic location: 2p23.3.
Variant type: single nucleotide variant.
Coding change: c.2350C>T on transcript NM_015662.3 (MANE Select); coding-DNA position 2350, C replaced by T.
Protein change: p.Arg784Trp; replaces arginine 784 with tryptophan.
Molecular consequence: missense variant.
Genome position (GRCh38, 1-based): chr2:27,461,361, G>A on the plus strand (C>T on the coding strand, the complement: IFT172 is on the minus strand). VCF-style: chr2-27461361-G-A. GRCh37 (hg19) VCF-style: chr2-27684228-G-A.
Other names: c.2350C>T (NM_015662.1); short protein forms R784W.
Identifiers: ClinVar variation 943505 (VCV000943505.19), dbSNP rs137906877, ClinGen allele CA1580333.